The following is an entry in ClinVar:

NM_001110556.2(FLNA):c.2003A>C (p.Gln668Pro)

Gene: FLNA (filamin A; minus strand). Cytogenetic location: Xq28.
Variant type: single nucleotide variant.
Coding change: c.2003A>C on transcript NM_001110556.2 (MANE Select); coding-DNA position 2003, A replaced by C.
Protein change: p.Gln668Pro; replaces glutamine 668 with proline.
Molecular consequence: missense variant.
Genome position (GRCh38, 1-based): chrX:154,364,545, T>G on the plus strand (A>C on the coding strand, the complement: FLNA is on the minus strand). VCF-style: chrX-154364545-T-G. GRCh37 (hg19) VCF-style: chrX-153592913-T-G.
Other names: c.2003A>C, p.Gln668Pro (NM_001456.4); short protein forms Q668P.
Identifiers: ClinVar variation 2156083 (VCV002156083.4), dbSNP rs1603362336, ClinGen allele CA415241181.

ClinVar aggregate classification (germline): Uncertain significance (1 of 4 stars; one submission).

Conditions:
Oto-palato-digital syndrome, type II (OPD2). Also called: Otopalatodigital Syndrome Type 2 (FLNA-OPD2); Otopalatodigital Syndrome, Type II; FACIOPALATOOSSEOUS SYNDROME; OPD II SYNDROME. Identifiers: Orphanet 669, Orphanet 90652, MedGen C1844696, MONDO:0010571, OMIM 304120.
Frontometaphyseal dysplasia (FMD1). Identifiers: Orphanet 1826, MedGen C0265293, MONDO:0015942.
Melnick-Needles syndrome (MNS). Also called: Melnick-Needles Syndrome (FLNA-MNS); MELNICK-NEEDLES OSTEODYSPLASTY; OSTEODYSPLASTY OF MELNICK AND NEEDLES. Identifiers: Orphanet 2484, MedGen C0025237, MONDO:0010650, OMIM 309350.
Heterotopia, periventricular, X-linked dominant (PVNH1). Also called: PERIVENTRICULAR NODULAR HETEROTOPIA 4; HETEROTOPIA, PERIVENTRICULAR, 1; X-linked periventricular heterotopia; PERIVENTRICULAR NODULAR HETEROTOPIA 1. Identifiers: Orphanet 2149, Orphanet 82004, MedGen C1848213, MONDO:0010233, OMIM 300049.

gnomAD v4.1: 5 of 1,209,893 alleles (0.00041%); highest among the groups gnomAD compares: Non-Finnish European, 0.00045%; no homozygotes.

Submission:

Labcorp Genetics (formerly Invitae), Labcorp
Classification: Uncertain significance for Oto-palato-digital syndrome, type II; Heterotopia, periventricular, X-linked dominant; Frontometaphyseal dysplasia; Melnick-Needles syndrome. Last evaluated: 2021-12-29. Review status: criteria provided, single submitter. Criteria: Invitae Variant Classification Sherloc (09022015). Collection method: clinical testing. Allele origin: germline.
Comment: In summary, the available evidence is currently insufficient to determine the role of this variant in disease. Therefore, it has been classified as a Variant of Uncertain Significance. Advanced modeling of protein sequence and biophysical properties (such as structural, functional, and spatial information, amino acid conservation, physicochemical variation, residue mobility, and thermodynamic stability) performed at Invitae indicates that this missense variant is not expected to disrupt FLNA protein function. This variant has not been reported in the literature in individuals affected with FLNA-related conditions. This variant is not present in population databases (gnomAD no frequency). This sequence change replaces glutamine, which is neutral and polar, with proline, which is neutral and non-polar, at codon 668 of the FLNA protein (p.Gln668Pro).